The following is an entry in ClinVar:

NM_000218.3(KCNQ1):c.184G>A (p.Ala62Thr)

Gene: KCNQ1 (potassium voltage-gated channel subfamily Q member 1; plus strand). Cytogenetic location: 11p15.5.
Variant type: single nucleotide variant.
Coding change: c.184G>A on transcript NM_000218.3 (MANE Select); coding-DNA position 184, G replaced by A.
Protein change: p.Ala62Thr; replaces alanine 62 with threonine.
Molecular consequence: missense variant.
Genome position (GRCh38, 1-based): chr11:2,445,282, G>A. VCF-style: chr11-2445282-G-A. GRCh37 (hg19) VCF-style: chr11-2466512-G-A.
Other names: p.A62T:GCG>ACG; short protein forms A62T.
Identifiers: ClinVar variation 200880 (VCV000200880.1), dbSNP rs794728554, ClinGen allele CA006505.

ClinVar aggregate classification (germline): Likely benign (1 of 4 stars; one submission).

Submission:

GeneDx
Classification: Likely benign. Last evaluated: 2013-12-17. Review status: criteria provided, single submitter. Criteria: GeneDx Variant Classification (06012015). Collection method: clinical testing. Allele origin: germline. Affected: yes.
Comment: This variant is considered likely benign or benign based on one or more of the following criteria: it is a conservative change, it occurs at a poorly conserved position in the protein, it is predicted to be benign by multiple in silico algorithms, and/or has population frequency not consistent with disease.